The following is an entry in ClinVar:

ClinVar aggregate classification (germline): Uncertain significance. Review status: criteria provided, multiple submitters, no conflicts (2 of 4 stars). 2 submissions from 2 submitters: Uncertain significance (2). Last evaluated 2025-12-09.

Conditions:
Obesity due to SIM1 deficiency. Identifiers: Orphanet 369873, MedGen C5191050, MONDO:0018244.
SIM1-related disorder. Also called: SIM1-related condition; SIM1-related disorders.

Allele frequency attached by ClinVar (database versions not stated): gnomAD 0.00001; gnomAD exomes 0.00001 and 0.00006; ExAC 0.00002; TOPMed 0.00003.
gnomAD v4.1: 20 of 1,614,072 alleles (0.0012%); highest among the groups gnomAD compares: East Asian, 0.04%; no homozygotes.

Submissions (2):

PreventionGenetics, part of Exact Sciences
Classification: Uncertain significance for SIM1-related condition. Last evaluated: 2025-12-09. Review status: criteria provided, single submitter. Criteria: ACMG Guidelines, 2015. Collection method: clinical testing. Allele origin: germline.
Comment: The SIM1 c.1327A>G variant is predicted to result in the amino acid substitution p.Ser443Gly. This variant has been reported in an individual with obesity and diabetes mellitus (Yu et al. 2023. PubMed ID: 37327085). This variant is reported in 0.076% of alleles in individuals of East Asian descent in gnomAD. At this time, the clinical significance of this variant is uncertain due to the absence of conclusive functional and genetic evidence.

Illumina Laboratory Services, Illumina
Classification: Uncertain significance for Obesity due to SIM1 deficiency. Last evaluated: 2018-01-12. Review status: criteria provided, single submitter. Criteria: ICSL Variant Classification Criteria 13 December 2019. Collection method: clinical testing. Allele origin: germline.

NM_005068.3(SIM1):c.1327A>G (p.Ser443Gly)

Genes: SIM1 (SIM bHLH transcription factor 1; minus strand), SIM1-AS1 (SIM1 antisense RNA 1; plus strand). Cytogenetic location: 6q16.3.
Variant type: single nucleotide variant.
Coding change: c.1327A>G on transcript NM_005068.3 (MANE Select); coding-DNA position 1327, A replaced by G.
Protein change: p.Ser443Gly; replaces serine 443 with glycine.
Molecular consequence: missense variant.
Genome position (GRCh38, 1-based): chr6:100,393,730, T>C on the plus strand (A>G on the coding strand, the complement: SIM1 is on the minus strand). VCF-style: chr6-100393730-T-C. GRCh37 (hg19) VCF-style: chr6-100841606-T-C.
Other names: c.1327A>G, p.Ser443Gly (NM_001374769.1); short protein forms S443G.
Identifiers: ClinVar variation 905506 (VCV000905506.5), dbSNP rs755621081, ClinGen allele CA3937042.
Genomic context (GRCh38, chr6:100,393,730, plus strand): 5'-GGAAATGCCTCTCTTCCACCAGCCTCGAGTGGTCAAGCGCAAAGCCATAGCAGAGAGAGC[T>C]GCGGTCCGAAAACTGTCTGTAGGCGCACGATGCGTCGTGCTGGGAGCCAGGCCTATCGGC-3'
Protein context (NP_005059.2, residues 433-453): SCAYRQFSDR[Ser443Gly]SLCYGFALDH